The following is an entry in ClinVar:

NM_002700.3(POU4F3):c.421C>A (p.Pro141Thr)

Genes: POU4F3 (POU class 4 homeobox 3; plus strand), RBM27-POU4F3 (RBM27-POU4F3 readthrough; plus strand). Cytogenetic location: 5q32.
Variant type: single nucleotide variant.
Coding change: c.421C>A on transcript NM_002700.3 (MANE Select); coding-DNA position 421, C replaced by A.
Protein change: p.Pro141Thr; replaces proline 141 with threonine.
Molecular consequence: missense variant.
Genome position (GRCh38, 1-based): chr5:146,339,848, C>A. VCF-style: chr5-146339848-C-A. GRCh37 (hg19) VCF-style: chr5-145719411-C-A.
Other names: short protein forms P141T.
Identifiers: ClinVar variation 667153 (VCV000667153.10), dbSNP rs139312280, ClinGen allele CA3491127.

ClinVar aggregate classification (germline): Conflicting classifications of pathogenicity. Review status: criteria provided, conflicting classifications (1 of 4 stars). 4 submissions from 4 submitters: Uncertain significance (2); Likely benign (2). Last evaluated 2026-01-26.

Conditions:
POU4F3-related disorder. Also called: POU4F3-related condition.
Inborn genetic diseases. Identifiers: MedGen C0950123, MeSH D030342.

Allele frequency attached by ClinVar (database versions not stated): gnomAD 0.00029 and 0.00031; TOPMed 0.00029; ESP Exome Variant Server 0.00038; 1000 Genomes Project 0.00060; 1000 Genomes Project 30x 0.00062.
gnomAD v4.1: 72 of 1,608,374 alleles (0.0045%); highest among the groups gnomAD compares: African/African-American, 0.075%; no homozygotes.

Submissions (4):

PreventionGenetics, part of Exact Sciences
Classification: Likely benign for POU4F3-related condition. Last evaluated: 2026-01-26. Review status: criteria provided, single submitter. Criteria: ACMG Guidelines, 2015. Collection method: clinical testing. Allele origin: germline.
Comment: This variant is classified as likely benign based on ACMG/AMP sequence variant interpretation guidelines (Richards et al. 2015 PMID: 25741868, with internal and published modifications).

Labcorp Genetics (formerly Invitae), Labcorp
Classification: Uncertain significance. Last evaluated: 2025-12-29. Review status: criteria provided, single submitter. Criteria: Invitae Variant Classification Sherloc (09022015). Collection method: clinical testing. Allele origin: germline.
Comment: This sequence change replaces proline, which is neutral and non-polar, with threonine, which is neutral and polar, at codon 141 of the POU4F3 protein (p.Pro141Thr). This variant is present in population databases (rs139312280, gnomAD 0.07%), and has an allele count higher than expected for a pathogenic variant. This variant has not been reported in the literature in individuals affected with POU4F3-related conditions. ClinVar contains an entry for this variant (Variation ID: 667153). Invitae Evidence Modeling of protein sequence and biophysical properties (such as structural, functional, and spatial information, amino acid conservation, physicochemical variation, residue mobility, and thermodynamic stability) indicates that this missense variant is not expected to disrupt POU4F3 protein function with a negative predictive value of 80%. In summary, the available evidence is currently insufficient to determine the role of this variant in disease. Therefore, it has been classified as a Variant of Uncertain Significance.

Ambry Genetics
Classification: Uncertain significance for Inborn genetic diseases. Last evaluated: 2024-01-19. Review status: criteria provided, single submitter. Criteria: Ambry Variant Classification Scheme 2023. Collection method: clinical testing. Allele origin: germline.

Laboratory for Molecular Medicine, Mass General Brigham Personalized Medicine
Classification: Likely benign. Last evaluated: 2018-12-13. Review status: criteria provided, single submitter. Criteria: LMM Criteria. Collection method: clinical testing. Allele origin: germline. Observed: 1 variant allele.
Comment: The p.Pro141Thr variant in POU4F3 is classified as likely benign because it has been identified in 0.06% (17/24822) of African chromosomes by gnomAD, and computational prediction tools and conservation ana lysis suggest that this variant may not impact the protein. ACMG/AMP Criteria ap plied: BS1, BP4.